The following is an entry in ClinVar:

ClinVar aggregate classification (germline): Uncertain significance (1 of 4 stars; one submission).

Conditions:
Charcot-Marie-Tooth disease dominant intermediate B (CMTDIB). Also called: CHARCOT-MARIE-TOOTH NEUROPATHY, DOMINANT INTERMEDIATE B; Charcot-Marie-Tooth disease dominant intermediate 1; CMT DI1; Charcot-Marie-Tooth disease dominant intermediate I. Identifiers: Orphanet 100044, Orphanet 228179, MedGen C1847902, MONDO:0011674, OMIM 606482.

Allele frequency attached by ClinVar (database versions not stated): gnomAD exomes below 0.00001 and 0.00001; ExAC 0.00001.
gnomAD v4.1: 4 of 1,614,016 alleles (0.00025%); highest among the groups gnomAD compares: East Asian, 0.0022%; no homozygotes.

Submission:

Labcorp Genetics (formerly Invitae), Labcorp
Classification: Uncertain significance for Charcot-Marie-Tooth disease dominant intermediate B. Last evaluated: 2019-01-20. Review status: criteria provided, single submitter. Criteria: Invitae Variant Classification Sherloc (09022015). Collection method: clinical testing. Allele origin: germline.
Comment: This sequence change replaces asparagine with serine at codon 178 of the DNM2 protein (p.Asn178Ser). The asparagine residue is highly conserved and there is a small physicochemical difference between asparagine and serine. This variant is present in population databases (rs777564981, ExAC 0.002%). This variant has not been reported in the literature in individuals with DNM2-related conditions. Algorithms developed to predict the effect of missense changes on protein structure and function (SIFT, PolyPhen-2, Align-GVGD) all suggest that this variant is likely to be disruptive, but these predictions have not been confirmed by published functional studies and their clinical significance is uncertain. Algorithms developed to predict the effect of sequence changes on RNA splicing suggest that this variant may create or strengthen a splice site, but this prediction has not been confirmed by published transcriptional studies. In summary, the available evidence is currently insufficient to determine the role of this variant in disease. Therefore, it has been classified as a Variant of Uncertain Significance.

NM_001005361.3(DNM2):c.533A>G (p.Asn178Ser)

Gene: DNM2 (dynamin 2; plus strand). Cytogenetic location: 19p13.2.
Variant type: single nucleotide variant.
Coding change: c.533A>G on transcript NM_001005361.3 (MANE Select); coding-DNA position 533, A replaced by G.
Protein change: p.Asn178Ser; replaces asparagine 178 with serine.
Molecular consequence: missense variant.
Genome position (GRCh38, 1-based): chr19:10,775,850, A>G. VCF-style: chr19-10775850-A-G. GRCh37 (hg19) VCF-style: chr19-10886526-A-G.
Other names: c.533A>G, p.Asn178Ser (NM_001005360.3, NM_001005362.3, NM_001190716.2 and 1 more transcripts); short protein forms N178S.
Identifiers: ClinVar variation 846741 (VCV000846741.9), dbSNP rs777564981, ClinGen allele CA9200814.